The following is an entry in ClinVar:

ClinVar aggregate classification (germline): Uncertain significance. Review status: criteria provided, multiple submitters, no conflicts (2 of 4 stars). 2 submissions from 2 submitters: Uncertain significance (2). Last evaluated 2022-09-14.

Conditions:
Familial cancer of breast. Also called: BREAST CANCER, FAMILIAL; Hereditary breast cancer; hereditary breast carcinoma. Identifiers: Orphanet 227535, MedGen C0346153, MONDO:0016419, OMIM 114480. Disease mechanism: loss of function.
Fanconi anemia complementation group J. Also called: BRIP1-Related Fanconi Anemia. Identifiers: Orphanet 84, MedGen C1836860, MONDO:0012187, OMIM 609054.
Hereditary cancer-predisposing syndrome. Also called: Hereditary neoplastic syndrome; Tumor predisposition; Neoplastic Syndromes, Hereditary; Hereditary Cancer Syndrome. Identifiers: Orphanet 140162, MedGen C0027672, MeSH D009386, MONDO:0015356.

Submissions (2):

Labcorp Genetics (formerly Invitae), Labcorp
Classification: Uncertain significance for Familial cancer of breast; Fanconi anemia complementation group J. Last evaluated: 2022-09-14. Review status: criteria provided, single submitter. Criteria: Invitae Variant Classification Sherloc (09022015). Collection method: clinical testing. Allele origin: germline.
Comment: This sequence change replaces methionine, which is neutral and non-polar, with leucine, which is neutral and non-polar, at codon 532 of the BRIP1 protein (p.Met532Leu). This variant has not been reported in the literature in individuals affected with BRIP1-related conditions. This variant is not present in population databases (gnomAD no frequency). Advanced modeling of protein sequence and biophysical properties (such as structural, functional, and spatial information, amino acid conservation, physicochemical variation, residue mobility, and thermodynamic stability) performed at Invitae indicates that this missense variant is not expected to disrupt BRIP1 protein function. In summary, the available evidence is currently insufficient to determine the role of this variant in disease. Therefore, it has been classified as a Variant of Uncertain Significance.

Ambry Genetics
Classification: Uncertain significance for Hereditary cancer-predisposing syndrome. Last evaluated: 2022-02-21. Review status: criteria provided, single submitter. Criteria: Ambry Variant Classification Scheme 2023. Collection method: clinical testing. Allele origin: germline.
Comment: The p.M532L variant (also known as c.1594A>T), located in coding exon 10 of the BRIP1 gene, results from an A to T substitution at nucleotide position 1594. The methionine at codon 532 is replaced by leucine, an amino acid with highly similar properties. This amino acid position is conserved. In addition, the in silico prediction for this alteration is inconclusive. Since supporting evidence is limited at this time, the clinical significance of this alteration remains unclear.

NM_032043.3(BRIP1):c.1594A>T (p.Met532Leu)

Gene: BRIP1 (BRCA1 interacting DNA helicase 1; minus strand). Cytogenetic location: 17q23.2.
Variant type: single nucleotide variant.
Coding change: c.1594A>T on transcript NM_032043.3 (MANE Select); coding-DNA position 1594, A replaced by T.
Protein change: p.Met532Leu; replaces methionine 532 with leucine.
Molecular consequence: missense variant.
Genome position (GRCh38, 1-based): chr17:61,784,304, T>A on the plus strand (A>T on the coding strand, the complement: BRIP1 is on the minus strand). VCF-style: chr17-61784304-T-A. GRCh37 (hg19) VCF-style: chr17-59861665-T-A.
Other names: short protein forms M532L.
Identifiers: ClinVar variation 1719432 (VCV001719432.8), dbSNP rs876658383, ClinGen allele CA400481014.
Genomic context (GRCh38, chr17:61,784,304, plus strand): 5'-AATACATACTAGTTATCTTCACTTACCTGCTATTTTGCCTAAAAAGATAGTCAAGTACCA[T>A]AAAAAGTCCTTTAAGCATTATTTGAGTTGATGCACTAATAACAGGTACTTCTCTTGCCTC-3'
Protein context (NP_114432.2, residues 522-542): STQIMLKGLF[Met532Leu]VLDYLFRQNS